The following is an entry in ClinVar:

ClinVar aggregate classification (germline): Uncertain significance (1 of 4 stars; one submission).

Allele frequency attached by ClinVar (database versions not stated): gnomAD exomes 0.00001.
gnomAD v4.1: 20 of 1,614,122 alleles (0.0012%); highest among the groups gnomAD compares: Non-Finnish European, 0.0016%; no homozygotes.

Submission:

Labcorp Genetics (formerly Invitae), Labcorp
Classification: Uncertain significance. Last evaluated: 2022-07-23. Review status: criteria provided, single submitter. Criteria: Invitae Variant Classification Sherloc (09022015). Collection method: clinical testing. Allele origin: germline.
Comment: In summary, the available evidence is currently insufficient to determine the role of this variant in disease. Therefore, it has been classified as a Variant of Uncertain Significance. Algorithms developed to predict the effect of missense changes on protein structure and function (SIFT, PolyPhen-2, Align-GVGD) all suggest that this variant is likely to be disruptive. This sequence change replaces leucine, which is neutral and non-polar, with histidine, which is basic and polar, at codon 190 of the EYS protein (p.Leu190His). This variant is not present in population databases (gnomAD no frequency). This variant has not been reported in the literature in individuals affected with EYS-related conditions.

NM_001142800.2(EYS):c.569T>A (p.Leu190His)

Gene: EYS (EGF-like photoreceptor maintenance factor; minus strand). Cytogenetic location: 6q12.
Variant type: single nucleotide variant.
Coding change: c.569T>A on transcript NM_001142800.2 (MANE Select); coding-DNA position 569, T replaced by A.
Protein change: p.Leu190His; replaces leucine 190 with histidine.
Molecular consequence: missense variant.
Genome position (GRCh38, 1-based): chr6:65,494,842, A>T on the plus strand (T>A on the coding strand, the complement: EYS is on the minus strand). VCF-style: chr6-65494842-A-T. GRCh37 (hg19) VCF-style: chr6-66204735-A-T.
Other names: c.569T>A, p.Leu190His (NM_001142801.2, NM_001292009.2, NM_198283.2); short protein forms L190H.
Identifiers: ClinVar variation 2200300 (VCV002200300.4), dbSNP rs2533028141, ClinGen allele CA364789625.